The following is an entry in ClinVar:

ClinVar aggregate classification (germline): Uncertain significance (1 of 4 stars; one submission).

Conditions:
Parkinsonian-pyramidal syndrome. Also called: PARKINSON DISEASE 15, AUTOSOMAL RECESSIVE; PARKINSON DISEASE 15, AUTOSOMAL RECESSIVE EARLY-ONSET; PALLIDOPYRAMIDAL SYNDROME. Identifiers: Orphanet 171695, MedGen C1850100, MONDO:0009830, OMIM 260300.

Allele frequency attached by ClinVar (database versions not stated): TOPMed 0.00011; gnomAD 0.00014; ESP Exome Variant Server 0.00015; gnomAD exomes 0.00006 and 0.00010; ExAC 0.00005.
gnomAD v4.1: 176 of 1,614,094 alleles (0.011%); highest among the groups gnomAD compares: Admixed American, 0.023%; 1 homozygote.

Submission:

Labcorp Genetics (formerly Invitae), Labcorp
Classification: Uncertain significance for Parkinsonian-pyramidal syndrome. Last evaluated: 2021-08-31. Review status: criteria provided, single submitter. Criteria: Invitae Variant Classification Sherloc (09022015). Collection method: clinical testing. Allele origin: germline.
Comment: This sequence change replaces alanine with valine at codon 357 of the FBXO7 protein (p.Ala357Val). The alanine residue is highly conserved and there is a small physicochemical difference between alanine and valine. This variant is present in population databases (rs141068487, ExAC 0.01%). This missense change has been observed in individual(s) with Parkinson's disease (PMID: 27294386). Algorithms developed to predict the effect of missense changes on protein structure and function are either unavailable or do not agree on the potential impact of this missense change (SIFT: "Deleterious"; PolyPhen-2: "Benign"; Align-GVGD: "Class C55"). In summary, the available evidence is currently insufficient to determine the role of this variant in disease. Therefore, it has been classified as a Variant of Uncertain Significance.

Literature cited by the submitters: PubMed 27294386.

NM_012179.4(FBXO7):c.1070C>T (p.Ala357Val)

Gene: FBXO7 (F-box protein 7; plus strand). Cytogenetic location: 22q12.3.
Variant type: single nucleotide variant.
Coding change: c.1070C>T on transcript NM_012179.4 (MANE Select); coding-DNA position 1070, C replaced by T.
Protein change: p.Ala357Val; replaces alanine 357 with valine.
Molecular consequence: missense variant.
Genome position (GRCh38, 1-based): chr22:32,493,207, C>T. VCF-style: chr22-32493207-C-T. GRCh37 (hg19) VCF-style: chr22-32889194-C-T.
Other names: c.833C>T, p.Ala278Val (NM_001033024.2); c.728C>T, p.Ala243Val (NM_001257990.2); short protein forms A243V, A357V, A278V.
Identifiers: ClinVar variation 652909 (VCV000652909.6), dbSNP rs141068487, ClinGen allele CA10201639.
Genomic context (GRCh38, chr22:32,493,207, plus strand): 5'-TGGAACTGAAACTACGGATCTTCCGACTTCTGGATGTTCGTTCCGTCTTGTCTTTGTCTG[C>T]GGTTTGTCGTGACCTCTTTACTGCTTCAAATGACCCACTCCTGTGGAGGTTTTTATATCT-3'
Protein context (NP_036311.3, residues 347-367): LDVRSVLSLS[Ala357Val]VCRDLFTASN